The following is an entry in ClinVar:

ClinVar aggregate classification (germline): Uncertain significance. Review status: criteria provided, multiple submitters, no conflicts (2 of 4 stars). 2 submissions from 2 submitters: Uncertain significance (2). Last evaluated 2024-07-25.

Conditions:
Insulin-dependent diabetes mellitus secretory diarrhea syndrome (IPEX). Also called: IMMUNODEFICIENCY, POLYENDOCRINOPATHY, AND ENTEROPATHY, X-LINKED; Immunodysregulation, polyendocrinopathy, and enteropathy, X-linked; IPEX and IPEX-Like; DIABETES MELLITUS, CONGENITAL INSULIN-DEPENDENT, WITH FATAL SECRETORY DIARRHEA; DIARRHEA, POLYENDOCRINOPATHY, FATAL INFECTION SYNDROME, X-LINKED; ENTEROPATHY, AUTOIMMUNE, WITH HEMOLYTIC ANEMIA AND POLYENDOCRINOPATHY. Identifiers: Orphanet 37042, MedGen C0342288, MONDO:0010580, OMIM 304790. Disease mechanism: loss of function.
Inborn genetic diseases. Identifiers: MedGen C0950123, MeSH D030342.

Submissions (2):

Ambry Genetics
Classification: Uncertain significance for Inborn genetic diseases. Last evaluated: 2024-07-25. Review status: criteria provided, single submitter. Criteria: Ambry Variant Classification Scheme 2023. Collection method: clinical testing. Allele origin: germline.

Labcorp Genetics (formerly Invitae), Labcorp
Classification: Uncertain significance for Insulin-dependent diabetes mellitus secretory diarrhea syndrome. Last evaluated: 2022-09-07. Review status: criteria provided, single submitter. Criteria: Invitae Variant Classification Sherloc (09022015). Collection method: clinical testing. Allele origin: germline.
Comment: This variant is not present in population databases (gnomAD no frequency). This sequence change replaces proline, which is neutral and non-polar, with serine, which is neutral and polar, at codon 75 of the FOXP3 protein (p.Pro75Ser). This variant has not been reported in the literature in individuals affected with FOXP3-related conditions. In summary, the available evidence is currently insufficient to determine the role of this variant in disease. Therefore, it has been classified as a Variant of Uncertain Significance. Advanced modeling of protein sequence and biophysical properties (such as structural, functional, and spatial information, amino acid conservation, physicochemical variation, residue mobility, and thermodynamic stability) performed at Invitae indicates that this missense variant is expected to disrupt FOXP3 protein function.

NM_014009.4(FOXP3):c.223C>T (p.Pro75Ser)

Gene: FOXP3 (forkhead box P3; minus strand). Cytogenetic location: Xp11.23.
Variant type: single nucleotide variant.
Coding change: c.223C>T on transcript NM_014009.4 (MANE Select); coding-DNA position 223, C replaced by T.
Protein change: p.Pro75Ser; replaces proline 75 with serine.
Molecular consequence: missense variant. On other transcripts: intron variant (1).
Genome position (GRCh38, 1-based): chrX:49,257,756, G>A on the plus strand (C>T on the coding strand, the complement: FOXP3 is on the minus strand). VCF-style: chrX-49257756-G-A. GRCh37 (hg19) VCF-style: chrX-49114213-G-A.
Other names: c.211-191C>T (NM_001114377.2); short protein forms P75S.
Identifiers: ClinVar variation 2008237 (VCV002008237.5), dbSNP rs2519195887, ClinGen allele CA412953655.
Genomic context (GRCh38, chrX:49,257,756, plus strand): 5'-GTGCCTGTAAGTGGGGCAAGGGGCCCAGCCGTGCCCCGGAGGGTGCCACCATGACTAGGG[G>A]CAGTGTGGGCAGCTGGGCAGAAAGGCAGGTGGGTGAGAGGCCATCCTGATCCTCACTGTT-3'
Protein context (NP_054728.2, residues 65-85): PPSQLQLPTL[Pro75Ser]LVMVAPSGAR